The following is an entry in ClinVar:

NM_001081.4(CUBN):c.839G>A (p.Cys280Tyr)

Gene: CUBN (cubilin; minus strand). Cytogenetic location: 10p13.
Variant type: single nucleotide variant.
Coding change: c.839G>A on transcript NM_001081.4 (MANE Select); coding-DNA position 839, G replaced by A.
Protein change: p.Cys280Tyr; replaces cysteine 280 with tyrosine.
Molecular consequence: missense variant.
Genome position (GRCh38, 1-based): chr10:17,114,071, C>T on the plus strand (G>A on the coding strand, the complement: CUBN is on the minus strand). VCF-style: chr10-17114071-C-T. GRCh37 (hg19) VCF-style: chr10-17156070-C-T.
Other names: short protein forms C280Y.
Identifiers: ClinVar variation 5038139 (VCV005038139.1).

ClinVar aggregate classification (germline): Uncertain significance (1 of 4 stars; one submission).

Conditions:
Proteinuria, chronic benign. Identifiers: MedGen C5394384, MONDO:0030042, OMIM 618884.

Submission:

MVZ Medizinische Genetik Mainz
Classification: Uncertain significance for Proteinuria, chronic benign. Last evaluated: 2026-09-22. Review status: criteria provided, single submitter. Criteria: UK Practice Guidelines For Variant Classification V4 01 2020. Collection method: clinical testing. Allele origin: germline. Inheritance: Autosomal recessive inheritance. Affected: yes. Observed: 1 variant allele.
Comment: ACMG Criteria: PP3_STR,PM2_SUP